The following is an entry in ClinVar:

NM_000535.7(PMS2):c.2324A>T (p.Asn775Ile)

Gene: PMS2 (PMS1 homolog 2, mismatch repair system component; minus strand). Cytogenetic location: 7p22.1.
Variant type: single nucleotide variant.
Coding change: c.2324A>T on transcript NM_000535.7 (MANE Select); coding-DNA position 2324, A replaced by T.
Protein change: p.Asn775Ile; replaces asparagine 775 with isoleucine.
Molecular consequence: missense variant. On other transcripts: non-coding transcript variant (1).
Genome position (GRCh38, 1-based): chr7:5,977,709, T>A on the plus strand (A>T on the coding strand, the complement: PMS2 is on the minus strand). VCF-style: chr7-5977709-T-A. GRCh37 (hg19) VCF-style: chr7-6017340-T-A.
Other names: c.1919A>T, p.Asn640Ile (NM_001322003.2, NM_001322004.2, NM_001322005.2); c.2168A>T, p.Asn723Ile (NM_001322006.2); c.2006A>T, p.Asn669Ile (NM_001322007.2, NM_001322008.2); c.1952A>T, p.Asn651Ile (NM_001322009.2); c.1763A>T, p.Asn588Ile (NM_001322010.2); c.1391A>T, p.Asn464Ile (NM_001322011.2, NM_001322012.2); c.1751A>T, p.Asn584Ile (NM_001322013.2); c.2357A>T, p.Asn786Ile (NM_001322014.2); and 2 more; short protein forms N775I, N588I, N669I, N672I, N786I, N640I, N723I, N464I.
Identifiers: ClinVar variation 484267 (VCV000484267.15), dbSNP rs17420802, ClinGen allele CA366735989.

ClinVar aggregate classification (germline): Uncertain significance. Review status: criteria provided, multiple submitters, no conflicts (2 of 4 stars). 5 submissions from 5 submitters: Uncertain significance (5). Last evaluated 2025-12-23.

Conditions:
Hereditary cancer-predisposing syndrome. Also called: Neoplastic Syndromes, Hereditary; Tumor predisposition; Hereditary Cancer Syndrome; Hereditary neoplastic syndrome. Identifiers: Orphanet 140162, MedGen C0027672, MeSH D009386, MONDO:0015356.
Lynch syndrome 4 (LYNCH4). Also called: Colorectal cancer, hereditary nonpolyposis, type 4; Hereditary non-polyposis colorectal cancer, type 4. Identifiers: Orphanet 144, MedGen C1838333, MONDO:0013699, OMIM 614337. Disease mechanism: loss of function.
Hereditary nonpolyposis colorectal neoplasms. Identifiers: MedGen C0009405, MeSH D003123.

Submissions (5):

Labcorp Genetics (formerly Invitae), Labcorp
Classification: Uncertain significance for Hereditary nonpolyposis colorectal neoplasms. Last evaluated: 2025-12-23. Review status: criteria provided, single submitter. Criteria: Invitae Variant Classification Sherloc (09022015). Collection method: clinical testing. Allele origin: germline.
Comment: This sequence change replaces asparagine, which is neutral and polar, with isoleucine, which is neutral and non-polar, at codon 775 of the PMS2 protein (p.Asn775Ile). The frequency data for this variant in the population databases (gnomAD) is considered unreliable due to the presence of homologous sequence, such as pseudogenes or paralogs, in the genome. This variant has not been reported in the literature in individuals affected with PMS2-related conditions. ClinVar contains an entry for this variant (Variation ID: 484267). Invitae Evidence Modeling incorporating data from in vitro experimental studies (internal data) indicates that this missense variant is not expected to disrupt PMS2 function with a negative predictive value of 95%. In summary, the available evidence is currently insufficient to determine the role of this variant in disease. Therefore, it has been classified as a Variant of Uncertain Significance.

Quest Diagnostics Nichols Institute San Juan Capistrano
Classification: Uncertain significance. Last evaluated: 2024-12-26. Review status: criteria provided, single submitter. Criteria: Quest Diagnostics criteria. Collection method: clinical testing. Allele origin: unknown.
Comment: The PMS2 c.2324A>T (p.Asn775Ile) variant has not been reported in individuals with PMS2-related conditions in the published literature. It also has not been reported in large, multi-ethnic general populations (Genome Aggregation Database). Analysis of this variant using bioinformatics tools for the prediction of the effect of amino acid changes on protein structure and function yielded conflicting predictions that this variant is benign or damaging. Based on the available information, we are unable to determine the clinical significance of this variant.

Baylor Genetics
Classification: Uncertain significance for Lynch syndrome 4. Last evaluated: 2023-12-19. Review status: criteria provided, single submitter. Criteria: ACMG Guidelines, 2015. Collection method: clinical testing. Allele origin: unknown.

Ambry Genetics
Classification: Uncertain significance for Hereditary cancer-predisposing syndrome. Last evaluated: 2023-11-15. Review status: criteria provided, single submitter. Criteria: Ambry Variant Classification Scheme 2023. Collection method: clinical testing. Allele origin: germline.
Comment: The p.N775I variant (also known as c.2324A>T), located in coding exon 14 of the PMS2 gene, results from an A to T substitution at nucleotide position 2324. The asparagine at codon 775 is replaced by isoleucine, an amino acid with dissimilar properties. This amino acid position is highly conserved in available vertebrate species. In addition, this alteration is predicted to be deleterious by in silico analysis. Since supporting evidence is limited at this time, the clinical significance of this alteration remains unclear.

GeneDx
Classification: Uncertain significance. Last evaluated: 2023-06-07. Review status: criteria provided, single submitter. Criteria: GeneDx Variant Classification Process June 2021. Collection method: clinical testing. Allele origin: germline. Affected: yes.
Comment: Not observed at significant frequency in large population cohorts (gnomAD); In silico analysis supports that this missense variant has a deleterious effect on protein structure/function; Has not been previously published as pathogenic or benign to our knowledge; This variant is associated with the following publications: (PMID: 26689913, Fukui2011[Chapter], 26824983)